The following is an entry in ClinVar:

NM_016284.5(CNOT1):c.4414A>G (p.Ser1472Gly)

Gene: CNOT1 (CCR4-NOT transcription complex subunit 1; minus strand). Cytogenetic location: 16q21.
Variant type: single nucleotide variant.
Coding change: c.4414A>G on transcript NM_016284.5 (MANE Select); coding-DNA position 4414, A replaced by G.
Protein change: p.Ser1472Gly; replaces serine 1472 with glycine.
Molecular consequence: missense variant. On other transcripts: non-coding transcript variant (1).
Genome position (GRCh38, 1-based): chr16:58,543,627, T>C on the plus strand (A>G on the coding strand, the complement: CNOT1 is on the minus strand). VCF-style: chr16-58543627-T-C. GRCh37 (hg19) VCF-style: chr16-58577531-T-C.
Other names: c.4399A>G, p.Ser1467Gly (NM_001265612.2); c.4414A>G, p.Ser1472Gly (NM_206999.3); c.4414A>G (NM_016284.3); short protein forms S1467G, S1472G.
Identifiers: ClinVar variation 2050790 (VCV002050790.3), dbSNP rs749865355, ClinGen allele CA8089191.

ClinVar aggregate classification (germline): Uncertain significance. Review status: criteria provided, multiple submitters, no conflicts (2 of 4 stars). 2 submissions from 2 submitters: Uncertain significance (2). Last evaluated 2024-11-09.

Conditions:
Inborn genetic diseases. Identifiers: MedGen C0950123, MeSH D030342.

Allele frequency attached by ClinVar (database versions not stated): gnomAD 0.00001; gnomAD exomes 0.00001; TOPMed 0.00001; ExAC 0.00002.
gnomAD v4.1: 7 of 1,614,068 alleles (0.00043%); highest among the groups gnomAD compares: Admixed American, 0.012%; no homozygotes.

Submissions (2):

Ambry Genetics
Classification: Uncertain significance for Inborn genetic diseases. Last evaluated: 2024-11-09. Review status: criteria provided, single submitter. Criteria: Ambry Variant Classification Scheme 2023. Collection method: clinical testing. Allele origin: germline.

Labcorp Genetics (formerly Invitae), Labcorp
Classification: Uncertain significance. Last evaluated: 2023-08-17. Review status: criteria provided, single submitter. Criteria: Invitae Variant Classification Sherloc (09022015). Collection method: clinical testing. Allele origin: germline.
Comment: In summary, the available evidence is currently insufficient to determine the role of this variant in disease. Therefore, it has been classified as a Variant of Uncertain Significance. An algorithm developed to predict the effect of missense changes on protein structure and function (PolyPhen-2) suggests that this variant¬†is likely to be tolerated. ClinVar contains an entry for this variant (Variation ID: 2050790). This variant has not been reported in the literature in individuals affected with CNOT1-related conditions. This variant is present in population databases (rs749865355, gnomAD 0.02%). This sequence change replaces serine, which is neutral and polar, with glycine, which is neutral and non-polar, at codon 1467 of the CNOT1 protein (p.Ser1467Gly).